The following is an entry in ClinVar:

ClinVar aggregate classification (germline): Benign (1 of 4 stars; one submission).

Conditions:
Immunodeficiency-centromeric instability-facial anomalies syndrome 1 (ICF1). Identifiers: Orphanet 2268, MedGen C4551557, MONDO:0009454, OMIM 242860.

Allele frequency attached by ClinVar (database versions not stated): 1000 Genomes Project 30x 0.00734; 1000 Genomes Project 0.00739; gnomAD 0.00809 and 0.00868; TOPMed 0.00943.
gnomAD v4.1: 2,479 of 1,610,836 alleles (0.15%); highest among the groups gnomAD compares: African/African-American, 2.9%; 32 homozygotes.

Submission:

Illumina Laboratory Services, Illumina
Classification: Benign for Immunodeficiency-centromeric instability-facial anomalies syndrome 1. Last evaluated: 2018-01-13. Review status: criteria provided, single submitter. Criteria: ICSL Variant Classification Criteria 13 December 2019. Collection method: clinical testing. Allele origin: germline.
Comment: This variant was observed in the ICSL laboratory as part of a predisposition screen in an ostensibly healthy population. It had not been previously curated by ICSL or reported in the Human Gene Mutation Database (HGMD: prior to June 1st, 2018), and was therefore a candidate for classification through an automated scoring system. Utilizing variant allele frequency, disease prevalence and penetrance estimates, and inheritance mode, an automated score was calculated to assess if this variant is too frequent to cause the disease. Based on the score and internal cut-off values, a variant classified as benign is not then subjected to further curation. The score for this variant resulted in a classification of benign for this disease.

NM_006892.4(DNMT3B):c.*75C>G

Gene: DNMT3B (DNA methyltransferase 3 beta; plus strand). Cytogenetic location: 20q11.21.
Variant type: single nucleotide variant.
Coding change: c.*75C>G on transcript NM_006892.4 (MANE Select); 75 bases downstream of the stop codon, C replaced by G.
Molecular consequence: 3 prime UTR variant.
Genome position (GRCh38, 1-based): chr20:32,807,978, C>G. VCF-style: chr20-32807978-C-G. GRCh37 (hg19) VCF-style: chr20-31395784-C-G.
Other names: c.*75C>G (NM_001207055.2, NM_001207056.2, NM_175848.2 and 2 more transcripts).
Identifiers: ClinVar variation 898982 (VCV000898982.4), dbSNP rs6119971, ClinGen allele CA313159802.